The following is an entry in ClinVar:

ClinVar aggregate classification (germline): Uncertain significance (1 of 4 stars; one submission).

Conditions:
Hereditary cancer-predisposing syndrome. Also called: Hereditary neoplastic syndrome; Hereditary Cancer Syndrome; Neoplastic Syndromes, Hereditary; Tumor predisposition. Identifiers: Orphanet 140162, MedGen C0027672, MeSH D009386, MONDO:0015356.

Allele frequency attached by ClinVar (database versions not stated): gnomAD exomes below 0.00001.

Submission:

Ambry Genetics
Classification: Uncertain significance for Hereditary cancer-predisposing syndrome. Last evaluated: 2023-04-11. Review status: criteria provided, single submitter. Criteria: Ambry Variant Classification Scheme 2023. Collection method: clinical testing. Allele origin: germline.
Comment: The p.E408K variant (also known as c.1222G>A), located in coding exon 12 of the NF2 gene, results from a G to A substitution at nucleotide position 1222. The glutamic acid at codon 408 is replaced by lysine, an amino acid with similar properties. This amino acid position is conserved. In addition, this alteration is predicted to be deleterious by in silico analysis. Since supporting evidence is limited at this time, the clinical significance of this alteration remains unclear.

NM_000268.4(NF2):c.1222G>A (p.Glu408Lys)

Gene: NF2 (NF2, moesin-ezrin-radixin like (MERLIN) tumor suppressor; plus strand). Cytogenetic location: 22q12.2.
Variant type: single nucleotide variant.
Coding change: c.1222G>A on transcript NM_000268.4 (MANE Select); coding-DNA position 1222, G replaced by A.
Protein change: p.Glu408Lys; replaces glutamic acid 408 with lysine.
Molecular consequence: missense variant. On other transcripts: intron variant (1).
Genome position (GRCh38, 1-based): chr22:29,673,368, G>A. VCF-style: chr22-29673368-G-A. GRCh37 (hg19) VCF-style: chr22-30069357-G-A.
Other names: c.1108G>A, p.Glu370Lys (NM_001407053.1, NM_001407056.1); c.1099G>A, p.Glu367Lys (NM_001407054.1, NM_001407058.1, NM_181829.3); c.1096G>A, p.Glu366Lys (NM_001407055.1, NM_181828.3); c.1087G>A, p.Glu363Lys (NM_001407057.1, NM_001407059.1); c.1222G>A, p.Glu408Lys (NM_001407060.1, NM_001407066.1, NM_016418.5 and 2 more transcripts); c.964G>A, p.Glu322Lys (NM_001407062.1); c.973G>A, p.Glu325Lys (NM_001407063.1, NM_001407064.1, NM_181830.3 and 1 more transcripts); c.688G>A, p.Glu230Lys (NM_001407065.1); and 2 more; short protein forms E325K, E367K, E408K, E230K, E322K, E331K, E363K, E370K.
Identifiers: ClinVar variation 2568045 (VCV002568045.2), dbSNP rs2518680465, ClinGen allele CA411148215.